The following is an entry in ClinVar:

NC_000009.12:g.1_190938del

Genes: MIR1302-9 (microRNA 1302-9; plus strand), MIR1302-9HG (MIR1302-9 host gene; plus strand), PGM5P3-AS1 (PGM5P3 antisense RNA 1; plus strand), WASHC1 (WASH complex subunit 1; minus strand), ZNG1A (Zn regulated GTPase metalloprotein activator 1A; minus strand) and 8 more. Cytogenetic location: 9p24.3.
Variant type: Deletion.
Identifiers: ClinVar variation 917492 (VCV000917492.2).

ClinVar aggregate classification (germline): Pathogenic (1 of 4 stars; one submission).

Conditions:
Chromosome 9p deletion syndrome. Also called: MONOSOMY 9p SYNDROME; Monosomy 9p; Deletion 9p. Identifiers: Orphanet 261112, MedGen C0795830, MONDO:0008013, OMIM 158170.

Submission:

Turner Lab, Washington University in St. Louis
Classification: Pathogenic for Chromosome 9p deletion syndrome. Last evaluated: 2020-05-07. Review status: criteria provided, single submitter. Criteria: ACMG Guidelines, 2015. Collection method: research. Allele origin: unknown. Inheritance: Autosomal dominant inheritance. Affected: yes.
Comment: The full variant in karyotype form is 46,XX,der(9)t(9;13)(p23;q13).